The following is an entry in ClinVar:

NM_001615.4(ACTG2):c.255+210C>G

Gene: ACTG2 (actin gamma 2, smooth muscle; plus strand). Cytogenetic location: 2p13.1.
Variant type: single nucleotide variant.
Coding change: c.255+210C>G on transcript NM_001615.4 (MANE Select); 210 bases into the intron after coding-DNA position 255, C replaced by G.
Molecular consequence: intron variant.
Genome position (GRCh38, 1-based): chr2:73,902,698, C>G. VCF-style: chr2-73902698-C-G. GRCh37 (hg19) VCF-style: chr2-74129825-C-G.
Other names: c.126+1261C>G (NM_001199893.2).
Identifiers: ClinVar variation 694318 (VCV000694318.3), dbSNP rs768290597, ClinGen allele CA347302624.

ClinVar aggregate classification (germline): Uncertain significance (0 of 4 stars; one submission).

Conditions:
Visceral myopathy 1 (VSCM1). Also called: Visceral myopathy; Infantile visceral myopathy; ACTG2 Visceral Myopathy. Identifiers: Orphanet 2604, MedGen C5542197, MONDO:0020754, OMIM 155310.

Submission:

Wangler Lab, Baylor College of Medicine
Classification: Uncertain significance for Visceral myopathy 1. Last evaluated: 2019-09-30. Review status: no assertion criteria provided. Collection method: case-control. Allele origin: paternal. Inheritance: Autosomal dominant inheritance. Affected: yes.
Comment: Our group reported this variant in the original Wangler et al. 2014 study in a family with two affected individuals and the father's sample was not available. We have since identified this exact variant in a family that is solved by a known pathogenic missense de novo in ACTG2. This along with the fact that all the other known pathogenic variants in ACTG2 are missense alleles occuring in the canonical transcript point to this being a potentially benign variant. However, it cannot be ruled out as a modifier.